The following is an entry in ClinVar:

ClinVar aggregate classification (germline): Likely benign. Review status: criteria provided, multiple submitters, no conflicts (2 of 4 stars). 3 submissions from 3 submitters: Likely benign (2). 1 of the submissions does not count toward it. Last evaluated 2023-12-08.

Conditions:
HRAS-related disorder. Also called: HRAS-related condition.
Costello syndrome (CSTLO). Also called: FACIOCUTANEOSKELETAL SYNDROME; FCS SYNDROME; HRAS-Related Costello Syndrome. Identifiers: Orphanet 3071, MedGen C0587248, MONDO:0009026, OMIM 218040.

Allele frequency attached by ClinVar (database versions not stated): gnomAD exomes below 0.00001.
gnomAD v4.1: 2 of 1,613,270 alleles (0.00012%); highest among the groups gnomAD compares: Non-Finnish European, 0.00017%; no homozygotes.

Submissions (3):

Labcorp Genetics (formerly Invitae), Labcorp
Classification: Likely benign for Costello syndrome. Last evaluated: 2023-12-08. Review status: criteria provided, single submitter. Criteria: Invitae Variant Classification Sherloc (09022015). Collection method: clinical testing. Allele origin: germline.

GeneDx
Classification: Likely benign. Last evaluated: 2015-11-06. Review status: criteria provided, single submitter. Criteria: GeneDx Variant Classification (06012015). Collection method: clinical testing. Allele origin: germline. Affected: yes.
Comment: This variant is considered likely benign or benign based on one or more of the following criteria: it is a conservative change, it occurs at a poorly conserved position in the protein, it is predicted to be benign by multiple in silico algorithms, and/or has population frequency not consistent with disease.

PreventionGenetics, part of Exact Sciences
Classification: Likely benign for HRAS-related condition. Last evaluated: 2022-02-11. Review status: no assertion criteria provided. Collection method: clinical testing. Allele origin: germline. Not counted in ClinVar's aggregate classification.
Comment: This variant is classified as likely benign based on ACMG/AMP sequence variant interpretation guidelines (Richards et al. 2015 PMID: 25741868, with internal and published modifications).

NM_005343.4(HRAS):c.162C>T (p.Asp54=)

Genes: HRAS (HRas proto-oncogene, GTPase; minus strand), LRRC56 (leucine rich repeat containing 56; plus strand). Cytogenetic location: 11p15.5.
Variant type: single nucleotide variant.
Coding change: c.162C>T on transcript NM_005343.4 (MANE Select); coding-DNA position 162, C replaced by T.
Protein change: p.Asp54=; no amino-acid change (aspartic acid 54 retained).
Molecular consequence: synonymous variant. On other transcripts: 5 prime UTR variant (1).
Genome position (GRCh38, 1-based): chr11:533,894, G>A on the plus strand (C>T on the coding strand, the complement: HRAS is on the minus strand). VCF-style: chr11-533894-G-A. GRCh37 (hg19) VCF-style: chr11-533894-G-A.
Other names: c.162C>T, p.Asp54= (NM_001130442.3, NM_176795.5); c.-158C>T (NM_001318054.2); c.162C>T (NM_005343.3).
Identifiers: ClinVar variation 378924 (VCV000378924.6), dbSNP rs1057520410, ClinGen allele CA16606342.